The following is an entry in ClinVar:

ClinVar aggregate classification (germline): Uncertain significance (1 of 4 stars; one submission).

Conditions:
Hereditary cancer-predisposing syndrome. Also called: Neoplastic Syndromes, Hereditary; Tumor predisposition; Hereditary Cancer Syndrome; Hereditary neoplastic syndrome. Identifiers: Orphanet 140162, MedGen C0027672, MeSH D009386, MONDO:0015356.

Submission:

Ambry Genetics
Classification: Uncertain significance for Hereditary cancer-predisposing syndrome. Last evaluated: 2022-04-21. Review status: criteria provided, single submitter. Criteria: Ambry Variant Classification Scheme 2023. Collection method: clinical testing. Allele origin: germline.
Comment: The p.F1236C variant (also known as c.3707T>G), located in coding exon 24 of the ATM gene, results from a T to G substitution at nucleotide position 3707. The phenylalanine at codon 1236 is replaced by cysteine, an amino acid with highly dissimilar properties. This amino acid position is conserved. In addition, the in silico prediction for this alteration is inconclusive. Since supporting evidence is limited at this time, the clinical significance of this alteration remains unclear.

NM_000051.4(ATM):c.3707T>G (p.Phe1236Cys)

Gene: ATM (ATM serine/threonine kinase; plus strand). Cytogenetic location: 11q22.3.
Variant type: single nucleotide variant.
Coding change: c.3707T>G on transcript NM_000051.4 (MANE Select); coding-DNA position 3707, T replaced by G.
Protein change: p.Phe1236Cys; replaces phenylalanine 1236 with cysteine.
Molecular consequence: missense variant.
Genome position (GRCh38, 1-based): chr11:108,282,840, T>G. VCF-style: chr11-108282840-T-G. GRCh37 (hg19) VCF-style: chr11-108153567-T-G.
Other names: c.3707T>G, p.Phe1236Cys (NM_001351834.2); short protein forms F1236C.
Identifiers: ClinVar variation 1734149 (VCV001734149.2), dbSNP rs2082306350, ClinGen allele CA382523651.